The following is an entry in ClinVar:

NM_014484.5(MOCS3):c.76C>T (p.Gln26Ter)

Gene: MOCS3 (molybdenum cofactor synthesis 3; plus strand). Cytogenetic location: 20q13.13.
Variant type: single nucleotide variant.
Coding change: c.76C>T on transcript NM_014484.5 (MANE Select); coding-DNA position 76, C replaced by T.
Protein change: p.Gln26Ter; replaces glutamine 26 with a stop codon.
Molecular consequence: nonsense.
Genome position (GRCh38, 1-based): chr20:50,958,918, C>T. VCF-style: chr20-50958918-C-T. GRCh37 (hg19) VCF-style: chr20-49575455-C-T.
Other names: short protein forms Q26*.
Identifiers: ClinVar variation 2413556 (VCV002413556.6), dbSNP rs761778205, ClinGen allele CA9909344.
Genomic context (GRCh38, chr20:50,958,918, plus strand): 5'-GAGGTACTCGCCTTACAAGCTGAAGTTGCCCAACGTGAGGAGGAATTGAATTCGCTGAAG[C>T]AGAAGCTGGCGTCGGCTCTTTTGGCTGAGCAGGAACCGCAGCCAGAACGGCTGGTTCCGG-3'

ClinVar aggregate classification (germline): Uncertain significance (1 of 4 stars; one submission).

Allele frequency attached by ClinVar (database versions not stated): ExAC 0.00001; TOPMed 0.00001; gnomAD 0.00003; gnomAD exomes 0.00005.
gnomAD v4.1: 75 of 1,609,582 alleles (0.0047%); highest among the groups gnomAD compares: Non-Finnish European, 0.0059%; no homozygotes.

Submission:

Labcorp Genetics (formerly Invitae), Labcorp
Classification: Uncertain significance. Last evaluated: 2022-11-08. Review status: criteria provided, single submitter. Criteria: Invitae Variant Classification Sherloc (09022015). Collection method: clinical testing. Allele origin: germline.
Comment: In summary, the available evidence is currently insufficient to determine the role of this variant in disease. Therefore, it has been classified as a Variant of Uncertain Significance. Experimental studies and prediction algorithms are not available or were not evaluated, and the functional significance of this variant is currently unknown. This variant has not been reported in the literature in individuals affected with MOCS3-related conditions. This variant is present in population databases (rs761778205, gnomAD 0.006%). This sequence change creates a premature translational stop signal (p.Gln26*) in the MOCS3 gene. While this is not anticipated to result in nonsense mediated decay, it is expected to disrupt the last 435 amino acid(s) of the MOCS3 protein.